The following is an entry in ClinVar:

NM_001080517.3(SETD5):c.3655G>A (p.Glu1219Lys)

Gene: SETD5 (SET domain containing 5; plus strand). Cytogenetic location: 3p25.3.
Variant type: single nucleotide variant.
Coding change: c.3655G>A on transcript NM_001080517.3 (MANE Select); coding-DNA position 3655, G replaced by A.
Protein change: p.Glu1219Lys; replaces glutamic acid 1219 with lysine.
Molecular consequence: missense variant.
Genome position (GRCh38, 1-based): chr3:9,475,091, G>A. VCF-style: chr3-9475091-G-A. GRCh37 (hg19) VCF-style: chr3-9516775-G-A.
Other names: c.3361G>A, p.Glu1121Lys (NM_001292043.2, NM_001349451.2); short protein forms E1219K, E1121K.
Identifiers: ClinVar variation 419146 (VCV000419146.2), dbSNP rs1064793676, ClinGen allele CA16618015.
Genomic context (GRCh38, chr3:9,475,091, plus strand): 5'-GCCAAGTTGATTTTTTTTTATATATGTTACCTTCCAGACCCTGCAGATGGAGAAGGCCCA[G>A]AGACATTAAGCTCAGCACTCTCTAAAGGAGCAACAGTTTACAGCCCTTCCAGATACAGCT-3'
Protein context (NP_001073986.1, residues 1209-1229): DSDPADGEGP[Glu1219Lys]TLSSALSKGA

ClinVar aggregate classification (germline): Uncertain significance (1 of 4 stars; one submission).

Allele frequency attached by ClinVar (database versions not stated): gnomAD exomes below 0.00001.
gnomAD v4.1: 1 of 1,589,066 alleles (0.000063%); highest among the groups gnomAD compares: Non-Finnish European, 0.000086%; no homozygotes.

Submission:

GeneDx
Classification: Uncertain significance. Last evaluated: 2017-01-24. Review status: criteria provided, single submitter. Criteria: GeneDx Variant Classification (06012015). Collection method: clinical testing. Allele origin: germline. Affected: yes.
Comment: The E1219K variant in the SETD5 gene has not been reported previously as a pathogenic variant, nor as a benign variant to our knowledge. The E1219K variant was not observed in approximately 6000 individuals of European and African American ancestry in the NHLBI Exome Sequencing Project, indicating it is not a common benign variant in these populations. The E1219K variant is a non-conservative amino acid substitution, which is likely to impact secondary protein structure as these residues differ in polarity, charge, size and/or other properties. This substitution occurs at a position where amino acids with similar properties to Glutamate are tolerated across species. In silico analysis is inconsistent in its predictions as to whether or not the variant is damaging to the protein structure/function. We interpret E1219K as a variant of unknown significance.